The following is an entry in ClinVar:

ClinVar aggregate classification (germline): Pathogenic (1 of 4 stars; one submission).

Conditions:
Achromatopsia 3 (ACHM3). Also called: ACHROMATOPSIA WITH MYOPIA; PINGELAPESE BLINDNESS; TOTAL COLORBLINDNESS WITH MYOPIA; ROD MONOCHROMACY 1; ROD MONOCHROMATISM 1. Identifiers: Orphanet 49382, MedGen C1849792, MONDO:0009875, OMIM 262300.

Submission:

Myriad Genetics, Inc.
Classification: Pathogenic for Achromatopsia 3. Last evaluated: 2023-08-07. Review status: criteria provided, single submitter. Criteria: Myriad Autosomal Dominant, Autosomal Recessive and X-Linked Classification Criteria (2023). Collection method: clinical testing. Allele origin: unknown.
Comment: NM_019098.4(CNGB3):c.1556_1557delTC(I519Kfs*10) is expected to be pathogenic in the context of achromatopsia, CNGB3-related. This variant is predicted to lead to an abnormal or absent protein product due to the creation of a premature termination codon in CNGB3, a gene where loss-of-function variants are known to be pathogenic. Please note: this variant was assessed in the context of healthy population screening.

NM_019098.5(CNGB3):c.1556_1557del (p.Ile519fs)

Gene: CNGB3 (cyclic nucleotide gated channel subunit beta 3; minus strand). Cytogenetic location: 8q21.3.
Variant type: Deletion.
Coding change: c.1556_1557del on transcript NM_019098.5 (MANE Select); coding-DNA positions 1556 to 1557, 2 bases deleted (TC; older notation c.1556_1557delTC).
Protein change: p.Ile519fs; shifts the reading frame from isoleucine 519.
Molecular consequence: frameshift variant.
Genome position (GRCh38, 1-based): chr8:86,626,004-86,626,005, GA deleted on the plus strand (TC on the coding strand, the reverse complement: CNGB3 is on the minus strand). VCF-style (leftmost placement, unchanged base first): chr8-86626003-TGA-T. GRCh37 (hg19) VCF-style: chr8-87638231-TGA-T.
Other names: short protein forms I519fs.
Identifiers: ClinVar variation 5011255 (VCV005011255.1).